The following is an entry in ClinVar:

ClinVar aggregate classification (germline): Conflicting classifications of pathogenicity. Review status: criteria provided, conflicting classifications (1 of 4 stars). 2 submissions from 2 submitters: Uncertain significance (1); Likely benign (1). Last evaluated 2025-09-08.

gnomAD v4.1: 307 of 1,614,032 alleles (0.019%); highest among the groups gnomAD compares: Non-Finnish European, 0.025%; no homozygotes.

Submissions (2):

Labcorp Genetics (formerly Invitae), Labcorp
Classification: Uncertain significance. Last evaluated: 2025-09-08. Review status: criteria provided, single submitter. Criteria: Invitae Variant Classification Sherloc (09022015). Collection method: clinical testing. Allele origin: germline.
Comment: This sequence change replaces threonine, which is neutral and polar, with isoleucine, which is neutral and non-polar, at codon 618 of the CASZ1 protein (p.Thr618Ile). This variant is present in population databases (rs142418398, gnomAD 0.03%), and has an allele count higher than expected for a pathogenic variant. This missense change has been observed in individual(s) with CASZ1-related conditions (PMID: 31231135). ClinVar contains an entry for this variant (Variation ID: 3711399). An algorithm developed to predict the effect of missense changes on protein structure and function (PolyPhen-2) suggests that this variant is likely to be tolerated. In summary, the available evidence is currently insufficient to determine the role of this variant in disease. Therefore, it has been classified as a Variant of Uncertain Significance.

Blueprint Genetics
Classification: Likely benign. Last evaluated: 2024-09-05. Review status: criteria provided, single submitter. Criteria: ACMG Guidelines, 2015. Collection method: clinical testing. Allele origin: germline.

Literature cited by the submitters: PubMed 31231135 (cited by Labcorp Genetics (formerly Invitae), Labcorp).

NM_001079843.3(CASZ1):c.1853C>T (p.Thr618Ile)

Gene: CASZ1 (castor zinc finger 1; minus strand). Cytogenetic location: 1p36.22.
Variant type: single nucleotide variant.
Coding change: c.1853C>T on transcript NM_001079843.3 (MANE Select); coding-DNA position 1853, C replaced by T.
Protein change: p.Thr618Ile; replaces threonine 618 with isoleucine.
Molecular consequence: missense variant.
Genome position (GRCh38, 1-based): chr1:10,654,204, G>A on the plus strand (C>T on the coding strand, the complement: CASZ1 is on the minus strand). VCF-style: chr1-10654204-G-A. GRCh37 (hg19) VCF-style: chr1-10714261-G-A.
Other names: c.1853C>T, p.Thr618Ile (NM_017766.5); short protein forms T618I.
Identifiers: ClinVar variation 3711399 (VCV003711399.3).
Genomic context (GRCh38, chr1:10,654,204, plus strand): 5'-TCGTCCTTGATGTGGTAGCTCTTGTGCTTCTCGATGTCACACTTGTTCTTGAAAGTGAAT[G>A]TGCAGCCGGGGCGCCTGGATGGGACATTGGGAGCCTGTCATGAGACCCAGAGGAGGCCCC-3'
Protein context (NP_001073312.1, residues 608-628): THFHCRRPGC[Thr618Ile]FTFKNKCDIE